The following is an entry in ClinVar:

NM_000088.4(COL1A1):c.503del (p.Asp168fs)

Gene: COL1A1 (collagen type I alpha 1 chain; minus strand). Cytogenetic location: 17q21.33.
Variant type: Deletion.
Coding change: c.503del on transcript NM_000088.4 (MANE Select); coding-DNA position 503, one base deleted (A; older notation c.503delA).
Protein change: p.Asp168fs; shifts the reading frame from aspartic acid 168.
Molecular consequence: frameshift variant.
Genome position (GRCh38, 1-based): chr17:50,198,473, T deleted on the plus strand (A on the coding strand, the reverse complement: COL1A1 is on the minus strand). VCF-style (leftmost placement, unchanged base first): chr17-50198472-AT-A. GRCh37 (hg19) VCF-style: chr17-48275833-AT-A.
Other names: short protein forms D168fs.
Identifiers: ClinVar variation 3767984 (VCV003767984.1).
Genomic context (GRCh38, chr17:50,198,472, plus strand): 5'-ATGCTCCCCCTGCTGGCTCACCATGGGGCCAGGCACGGAAATTCCTCCGGTTGATTTCTC[AT>A]CATAGCCATAAGACAGCTGGGGAGCAAAGTTCTAGAACAAACAAGAGAAGTCAGAGTGAG-3'

ClinVar aggregate classification (germline): Likely pathogenic (1 of 4 stars; one submission).

Conditions:
Osteogenesis imperfecta type I (OI1). Also called: OI, TYPE I; OSTEOGENESIS IMPERFECTA TARDA; OSTEOGENESIS IMPERFECTA WITH BLUE SCLERAE; Lobstein disease; Classic Non-deforming Osteogenesis Imperfecta with Blue Sclerae; Osteogenesis imperfecta type 1. Identifiers: Orphanet 216796, Orphanet 666, MedGen C0023931, MONDO:0008146, OMIM 166200. Disease mechanism: loss of function.
Osteogenesis imperfecta type III (OI3). Also called: Osteogenesis imperfecta type 3; OI type 3; Osteogenesis imperfecta, progressively deforming with normal sclerae; OI type III; Progressively Deforming Osteogenesis Imperfecta. Identifiers: Orphanet 216812, Orphanet 666, MedGen C0268362, MONDO:0009804, OMIM 259420.
Osteogenesis imperfecta, perinatal lethal (OI2). Also called: OSTEOGENESIS IMPERFECTA, TYPE II; OI, TYPE II; OSTEOGENESIS IMPERFECTA CONGENITA; VROLIK TYPE OF OSTEOGENESIS IMPERFECTA; Osteogenesis imperfecta type 2; Osteogenesis imperfecta, dominant perinatal lethal. Identifiers: Orphanet 216804, MedGen C0268358, MONDO:0008147, OMIM 166210.
Osteogenesis imperfecta with normal sclerae, dominant form (OI4). Also called: OSTEOGENESIS IMPERFECTA WITH NORMAL SCLERAE; Osteogenesis Imperfecta Type IV; Common Variable Osteogenesis Imperfecta with Normal Sclerae; Osteogenesis imperfecta type 4; OSTEOGENESIS IMPERFECTA, TYPE IV, WITH DENTINOGENESIS IMPERFECTA. Identifiers: Orphanet 216820, Orphanet 666, MedGen C0268363, MONDO:0008148, OMIM 166220.

Submission:

Diagnostics Services (NGS), CSIR - Centre For Cellular And Molecular Biology
Classification: Likely pathogenic for Osteogenesis imperfecta type I; Osteogenesis imperfecta, perinatal lethal; Osteogenesis imperfecta type III; Osteogenesis imperfecta with normal sclerae, dominant form. Last evaluated: 2025-02-19. Review status: criteria provided, single submitter. Criteria: ACMG Guidelines, 2015. Collection method: clinical testing. Allele origin: unknown. Affected: yes. Observed: 1 variant allele, 1 heterozygote.
Comment: The c.503del variant is not present in publicly available population databases like 1000 Genomes, EVS, gnomAD, Indian Exome Database or our internal database. This variant has neither been published in literature in individuals with COL1A1-related conditions nor reported to the clinical databases like Human Genome Mutation Database (HGMD), ClinVar or OMIM, in any affected individuals. In-silico pathogenicity prediction programs like MutationTaster2, CADD, Varsome, Franklin etc predicted the variant to be likely deleterious. This variant causes frameshift at the 168th amino acid position of the wild-type transcript which creates a premature translational stop signal at the altered transcript that may either cause translation of truncated protein or cause nonsense mediated decay of the mRNA.